The following is an entry in ClinVar:

ClinVar aggregate classification (germline): Uncertain significance. Review status: criteria provided, multiple submitters, no conflicts (2 of 4 stars). 2 submissions from 2 submitters: Uncertain significance (2). Last evaluated 2024-05-02.

Conditions:
Dilated cardiomyopathy 1KK (CMD1KK). Identifiers: Orphanet 154, Orphanet 75249, MedGen C3714995, MONDO:0014100, OMIM 615248.
Cardiovascular phenotype. Identifiers: MedGen CN230736.

Allele frequency attached by ClinVar (database versions not stated): gnomAD 0.00001; TOPMed 0.00002; gnomAD exomes 0.00003 and 0.00007; ExAC 0.00009.
gnomAD v4.1: 19 of 1,613,988 alleles (0.0012%); highest among the groups gnomAD compares: Admixed American, 0.03%; no homozygotes.

Submissions (2):

Ambry Genetics
Classification: Uncertain significance for Cardiovascular phenotype. Last evaluated: 2024-05-02. Review status: criteria provided, single submitter. Criteria: Ambry Variant Classification Scheme 2023. Collection method: clinical testing. Allele origin: germline.
Comment: The p.S146F variant (also known as c.437C>T), located in coding exon 1 of the MYPN gene, results from a C to T substitution at nucleotide position 437. The serine at codon 146 is replaced by phenylalanine, an amino acid with highly dissimilar properties. This amino acid position is conserved. In addition, the in silico prediction for this alteration is inconclusive. Based on the available evidence, the clinical significance of this variant remains unclear.

Labcorp Genetics (formerly Invitae), Labcorp
Classification: Uncertain significance for Dilated cardiomyopathy 1KK. Last evaluated: 2021-08-31. Review status: criteria provided, single submitter. Criteria: Invitae Variant Classification Sherloc (09022015). Collection method: clinical testing. Allele origin: germline.
Comment: This sequence change replaces serine with phenylalanine at codon 146 of the MYPN protein (p.Ser146Phe). The serine residue is highly conserved and there is a large physicochemical difference between serine and phenylalanine. This variant is present in population databases (rs748438784, ExAC 0.08%). This variant has not been reported in the literature in individuals affected with MYPN-related conditions. Algorithms developed to predict the effect of missense changes on protein structure and function are either unavailable or do not agree on the potential impact of this missense change (SIFT: "Deleterious"; PolyPhen-2: "Probably Damaging"; Align-GVGD: "Class C0"). In summary, the available evidence is currently insufficient to determine the role of this variant in disease. Therefore, it has been classified as a Variant of Uncertain Significance.

NM_032578.4(MYPN):c.437C>T (p.Ser146Phe)

Gene: MYPN (myopalladin; plus strand). Cytogenetic location: 10q21.3.
Variant type: single nucleotide variant.
Coding change: c.437C>T on transcript NM_032578.4 (MANE Select); coding-DNA position 437, C replaced by T.
Protein change: p.Ser146Phe; replaces serine 146 with phenylalanine.
Molecular consequence: missense variant. On other transcripts: 5 prime UTR variant (1), non-coding transcript variant (1).
Genome position (GRCh38, 1-based): chr10:68,121,875, C>T. VCF-style: chr10-68121875-C-T. GRCh37 (hg19) VCF-style: chr10-69881632-C-T.
Other names: c.437C>T, p.Ser146Phe (NM_001256267.2); c.-686C>T (NM_001256268.2); c.437C>T (NM_032578.2); short protein forms S146F.
Identifiers: ClinVar variation 1393731 (VCV001393731.6), dbSNP rs748438784, ClinGen allele CA5522276.